The following is an entry in ClinVar:

NM_001379500.1(COL18A1):c.1264C>T (p.Gln422Ter)

Gene: COL18A1 (collagen type XVIII alpha 1 chain; plus strand). Cytogenetic location: 21q22.3.
Variant type: single nucleotide variant.
Coding change: c.1264C>T on transcript NM_001379500.1 (MANE Select); coding-DNA position 1264, C replaced by T.
Protein change: p.Gln422Ter; replaces glutamine 422 with a stop codon.
Molecular consequence: nonsense.
Genome position (GRCh38, 1-based): chr21:45,479,917, C>T. VCF-style: chr21-45479917-C-T. GRCh37 (hg19) VCF-style: chr21-46899831-C-T.
Other names: c.1804C>T, p.Gln602Ter (NM_030582.4); c.2509C>T, p.Gln837Ter (NM_130444.3); short protein forms Q422*, Q602*, Q837*.
Identifiers: ClinVar variation 3020790 (VCV003020790.3), dbSNP rs773864541, ClinGen allele CA10066214.
Genomic context (GRCh38, chr21:45,479,917, plus strand): 5'-ATGGTGGTGCCTTCCCTGACCGGGCCCCCGGATGTTGTGTTCCAGGGCGACACCGGGCCA[C>T]AAGGCTTCCCCGGGACTCCAGGGGACGTAGGTCCCAAGGGCGACAAGGTGAGTCTCCGTG-3'

ClinVar aggregate classification (germline): Pathogenic (1 of 4 stars; one submission).

Allele frequency attached by ClinVar (database versions not stated): ExAC 0.00001.

Submission:

Labcorp Genetics (formerly Invitae), Labcorp
Classification: Pathogenic. Last evaluated: 2025-11-17. Review status: criteria provided, single submitter. Criteria: Invitae Variant Classification Sherloc (09022015). Collection method: clinical testing. Allele origin: germline.
Comment: This sequence change creates a premature translational stop signal (p.Gln422*) in the COL18A1 gene. It is expected to result in an absent or disrupted protein product. Loss-of-function variants in COL18A1 are known to be pathogenic (PMID: 12415512, 25456301). This variant is present in population databases (rs773864541, gnomAD 0.0009%). This variant has not been reported in the literature in individuals affected with COL18A1-related conditions. ClinVar contains an entry for this variant (Variation ID: 3020790). For these reasons, this variant has been classified as Pathogenic.

Literature cited by the submitters: PubMed 12415512; PubMed 25456301.